The following is an entry in ClinVar:

NM_000548.5(TSC2):c.181A>G (p.Ile61Val)

Gene: TSC2 (TSC complex subunit 2; plus strand). Cytogenetic location: 16p13.3.
Variant type: single nucleotide variant.
Coding change: c.181A>G on transcript NM_000548.5 (MANE Select); coding-DNA position 181, A replaced by G.
Protein change: p.Ile61Val; replaces isoleucine 61 with valine.
Molecular consequence: missense variant. On other transcripts: 5 prime UTR variant (1).
Genome position (GRCh38, 1-based): chr16:2,050,442, A>G. VCF-style: chr16-2050442-A-G. GRCh37 (hg19) VCF-style: chr16-2100443-A-G.
Other names: c.181A>G, p.Ile61Val (NM_001077183.3, NM_001114382.3, NM_001318827.2 and 4 more transcripts); c.34A>G, p.Ile12Val (NM_001318829.2); c.-46A>G (NM_001318831.2); c.214A>G, p.Ile72Val (NM_001318832.2); short protein forms I61V, I12V, I72V.
Identifiers: ClinVar variation 942160 (VCV000942160.9), dbSNP rs2084961446, ClinGen allele CA394303345.
Genomic context (GRCh38, chr16:2,050,442, plus strand): 5'-TCTTTCATCTCTCTCCAGGAACTGAGCATGGAATGTGGCCTCAACAATCGCATCCGGATG[A>G]TAGGGCAGATTTGTGAAGTCGCAAAAACCAAGAAATTTGAAGAGGTAGGTTTATCCAGTT-3'
Protein context (NP_000539.2, residues 51-71): ECGLNNRIRM[Ile61Val]GQICEVAKTK

ClinVar aggregate classification (germline): Uncertain significance (1 of 4 stars; one submission).

Conditions:
Tuberous sclerosis 2 (TSC2). Identifiers: Orphanet 805, MedGen C1860707, MONDO:0013199, OMIM 613254.

Submission:

Labcorp Genetics (formerly Invitae), Labcorp
Classification: Uncertain significance for Tuberous sclerosis 2. Last evaluated: 2019-09-17. Review status: criteria provided, single submitter. Criteria: Invitae Variant Classification Sherloc (09022015). Collection method: clinical testing. Allele origin: germline.
Comment: Algorithms developed to predict the effect of missense changes on protein structure and function are either unavailable or do not agree on the potential impact of this missense change (SIFT: "Tolerated"; PolyPhen-2: "Possibly Damaging"; Align-GVGD: "Class C0"). In summary, the available evidence is currently insufficient to determine the role of this variant in disease. Therefore, it has been classified as a Variant of Uncertain Significance. Algorithms developed to predict the effect of sequence changes on RNA splicing suggest that this variant may create or strengthen a splice site, but this prediction has not been confirmed by published transcriptional studies. This variant has not been reported in the literature in individuals with TSC2-related conditions. This variant is not present in population databases (ExAC no frequency). This sequence change replaces isoleucine with valine at codon 61 of the TSC2 protein (p.Ile61Val). The isoleucine residue is moderately conserved and there is a small physicochemical difference between isoleucine and valine.